The following is an entry in ClinVar:

ClinVar aggregate classification (germline): Uncertain significance. Review status: criteria provided, multiple submitters, no conflicts (2 of 4 stars). 5 submissions from 3 submitters: Uncertain significance (5). Last evaluated 2026-01-07.

Conditions:
Idiopathic Pulmonary Fibrosis. Also called: Idiopathic fibrosing alveolitis, chronic form; idiopathic fibrosing alveolitis. Identifiers: Orphanet 2032, MedGen C1800706, MeSH D054990, MONDO:0800504.
Dyskeratosis congenita, autosomal dominant 2. Identifiers: MedGen C3151443, MONDO:0013521, OMIM 613989.
Pulmonary fibrosis and/or bone marrow failure, Telomere-related, 1. Also called: PULMONARY FIBROSIS AND/OR BONE MARROW FAILURE SYNDROME, TELOMERE-RELATED, 1. Identifiers: Orphanet 88, MedGen C3553617, MONDO:0013878, OMIM 614742.
Dyskeratosis congenita. Identifiers: Orphanet 1775, MedGen C0265965, MONDO:0015780.
Aplastic anemia. Identifiers: Orphanet 182040, Orphanet 88, MedGen C0002874, MONDO:0015909, OMIM 609135, HP:0001915.

Allele frequency attached by ClinVar (database versions not stated): gnomAD 0.00001; gnomAD exomes 0.00001 and below 0.00001; TOPMed 0.00001; ExAC 0.00001.
gnomAD v4.1: 11 of 1,614,048 alleles (0.00068%); highest among the groups gnomAD compares: East Asian, 0.0045%; no homozygotes.

Submissions (5):

Ambry Genetics
Classification: Uncertain significance for Dyskeratosis congenita. Last evaluated: 2026-01-07. Review status: criteria provided, single submitter. Criteria: Ambry Variant Classification Scheme 2023. Collection method: clinical testing. Allele origin: germline.
Comment: The p.R1034H variant (also known as c.3101G>A), located in coding exon 14 of the TERT gene, results from a G to A substitution at nucleotide position 3101. The arginine at codon 1034 is replaced by histidine, an amino acid with highly similar properties. This amino acid position is not well conserved in available vertebrate species. In addition, this alteration is predicted to be tolerated by in silico analysis. Based on the available evidence, the clinical significance of this variant remains unclear.

Labcorp Genetics (formerly Invitae), Labcorp
Classification: Uncertain significance for Dyskeratosis congenita, autosomal dominant 2; Idiopathic Pulmonary Fibrosis. Last evaluated: 2024-07-21. Review status: criteria provided, single submitter. Criteria: Invitae Variant Classification Sherloc (09022015). Collection method: clinical testing. Allele origin: germline.
Comment: This sequence change replaces arginine, which is basic and polar, with histidine, which is basic and polar, at codon 1034 of the TERT protein (p.Arg1034His). This variant is present in population databases (rs62331332, gnomAD 0.0009%). This variant has not been reported in the literature in individuals affected with TERT-related conditions. ClinVar contains an entry for this variant (Variation ID: 905979). An algorithm developed to predict the effect of missense changes on protein structure and function outputs the following: PolyPhen-2: "Benign". The histidine amino acid residue is found in multiple mammalian species, which suggests that this missense change does not adversely affect protein function. In summary, the available evidence is currently insufficient to determine the role of this variant in disease. Therefore, it has been classified as a Variant of Uncertain Significance.

Illumina Laboratory Services, Illumina
Classification: Uncertain significance for Aplastic anemia. Last evaluated: 2018-01-12. Review status: criteria provided, single submitter. Criteria: ICSL Variant Classification Criteria 13 December 2019. Collection method: clinical testing. Allele origin: germline.

Illumina Laboratory Services, Illumina
Classification: Uncertain significance for Dyskeratosis congenita, autosomal dominant 2. Last evaluated: 2018-01-12. Review status: criteria provided, single submitter. Criteria: ICSL Variant Classification Criteria 13 December 2019. Collection method: clinical testing. Allele origin: germline.

Illumina Laboratory Services, Illumina
Classification: Uncertain significance for Pulmonary fibrosis and/or bone marrow failure, Telomere-related, 1. Last evaluated: 2018-01-12. Review status: criteria provided, single submitter. Criteria: ICSL Variant Classification Criteria 13 December 2019. Collection method: clinical testing. Allele origin: germline.

NM_198253.3(TERT):c.3101G>A (p.Arg1034His)

Gene: TERT (telomerase reverse transcriptase; minus strand). Cytogenetic location: 5p15.33.
Variant type: single nucleotide variant.
Coding change: c.3101G>A on transcript NM_198253.3 (MANE Select); coding-DNA position 3101, G replaced by A.
Protein change: p.Arg1034His; replaces arginine 1034 with histidine.
Molecular consequence: missense variant. On other transcripts: non-coding transcript variant (2).
Genome position (GRCh38, 1-based): chr5:1,255,343, C>T on the plus strand (G>A on the coding strand, the complement: TERT is on the minus strand). VCF-style: chr5-1255343-C-T. GRCh37 (hg19) VCF-style: chr5-1255458-C-T.
Other names: c.2912G>A, p.Arg971His (NM_001193376.3); short protein forms R1034H, R971H.
Identifiers: ClinVar variation 905979 (VCV000905979.7), dbSNP rs62331332, ClinGen allele CA3184287.